The following is an entry in ClinVar:

ClinVar aggregate classification (germline): Uncertain significance (1 of 4 stars; one submission).

Allele frequency attached by ClinVar (database versions not stated): gnomAD exomes below 0.00001.

Submission:

Labcorp Genetics (formerly Invitae), Labcorp
Classification: Uncertain significance. Last evaluated: 2022-11-01. Review status: criteria provided, single submitter. Criteria: Invitae Variant Classification Sherloc (09022015). Collection method: clinical testing. Allele origin: germline.
Comment: This sequence change replaces methionine, which is neutral and non-polar, with threonine, which is neutral and polar, at codon 12 of the GPR179 protein (p.Met12Thr). This variant is not present in population databases (gnomAD no frequency). This variant has not been reported in the literature in individuals affected with GPR179-related conditions. ClinVar contains an entry for this variant (Variation ID: 1413178). Algorithms developed to predict the effect of missense changes on protein structure and function (SIFT, PolyPhen-2, Align-GVGD) all suggest that this variant is likely to be tolerated. In summary, the available evidence is currently insufficient to determine the role of this variant in disease. Therefore, it has been classified as a Variant of Uncertain Significance.

NM_001004334.4(GPR179):c.35T>C (p.Met12Thr)

Gene: GPR179 (G protein-coupled receptor 179; minus strand). Cytogenetic location: 17q12.
Variant type: single nucleotide variant.
Coding change: c.35T>C on transcript NM_001004334.4 (MANE Select); coding-DNA position 35, T replaced by C.
Protein change: p.Met12Thr; replaces methionine 12 with threonine.
Molecular consequence: missense variant.
Genome position (GRCh38, 1-based): chr17:38,343,755, A>G on the plus strand (T>C on the coding strand, the complement: GPR179 is on the minus strand). VCF-style: chr17-38343755-A-G. GRCh37 (hg19) VCF-style: chr17-36499638-A-G.
Other names: short protein forms M12T.
Identifiers: ClinVar variation 1413178 (VCV001413178.8), dbSNP rs2144283979, ClinGen allele CA398890045.